The following is an entry in ClinVar:

ClinVar aggregate classification (germline): Pathogenic. Review status: reviewed by expert panel (3 of 4 stars). 12 submissions from 12 submitters: Pathogenic (1). 11 of the submissions do not count toward it. Last evaluated 2024-03-19.

Conditions:
GAA-related disorders.
Glycogen storage disease, type II (IOPD). Also called: Glycogen storage disease type 2; Acid maltase deficiency disease; Aglucosidase alfa; Deficiency of alpha-glucosidase; Deficiency of lysosomal alpha-glucosidase; POMPE DISEASE, INFANTILE-ONSET. Identifiers: Orphanet 365, MedGen C0017921, MONDO:0009290, OMIM 232300.

gnomAD v4.1: 1 of 1,613,922 alleles (0.000062%); highest among the groups gnomAD compares: Non-Finnish European, 0.000085%; no homozygotes.

Submissions (12):

ClinGen Lysosomal Storage Disorder Variant Curation Expert Panel
Classification: Pathogenic for Glycogen storage disease, type II. Last evaluated: 2024-03-19. Review status: reviewed by expert panel. Criteria: clingen_lsd_acmg_specifications_v2-1. Collection method: curation. Allele origin: germline. Inheritance: Autosomal recessive inheritance.
Comment: The NM_000152.5:c.1564C>G variant in GAA is a missense variant predicted to cause substitution of proline by alanine at amino acid 522 (p.Pro522Ala). This variant has been detected in at least 7 unrelated patients reported to have Pompe disease including four individuals with reported laboratory values demonstrating deficient GAA activity (PMID: 26800218, 33301762, 34072668, Duke University), and three for whom GAA activity was not reported (PMID: 18429042, 37087815) (PP4_Moderate). Of those individuals, 6 were compound heterozygous for the variant and a variant classified as pathogenic by the ClinGen LD VCEP: c.784G>A (p.Glu262Lys) (ClinVar Variation ID: 188806, SCV002032128.1) (PMID: 18429042), c.1933G>A (p.Asp645Asn) (ClinVar Variation ID: 188728, SCV001371736.1) (PMID: 18429042), c.1465G>A (p.Asp489Asn) (ClinVar Variation ID: 92465, SCV003852732.1) (PMID: 34072668), and c.-32-13T>G (ClinVar Variation ID: 4027) (PMID: 26800218, 37087815, Clinical Diagnostic Laboratory; at least 3 unrelated patients). The phase is not confirmed for any of these individuals. One individual was homozygous for this variant (PMID: 33301762) (PM3_Strong). Another missense variant, c.1564C>T, p.Pro522Ser (ClinVar Variation ID: 972746) in the same codon has been classified as likely pathogenic for Pompe disease by the ClinGen Lysosomal Diseases VCEP (PM5_Supporting). This variant is absent in gnomAD v2.1.1 (PM2_Supporting). Expression of the variant in Ad5-SV40 immortalized human GAA-deficient fibroblast cell line resulted in 0% wild type GAA activity when measured using fluorogenic substrate 4-methylumbelliferyl-α-D glucopyranoside. This was further supported via Western blot analysis demonstrating deficient GAA protein expression (PMID: 18429042) (PS3_Supporting). The computational predictor REVEL gives a score of 0.883 which is above the threshold predicting a damaging (>0.7) impact on GAA function. There is a ClinVar entry for this variant (Variation ID: 371277). In summary, this variant meets the criteria to be classified as Pathogenic for Pompe disease. GAA-specific ACMG/AMP criteria met, based on the specifications of the ClinGen Lysosomal Diseases VCEP (Specifications Version 2.0): PM3_Strong, PP4_Moderate, PM2_Supporting, PM5_Supporting PS3_Supporting. (Classification approved by the ClinGen Lysosomal Diseases Variant Curation Expert Panel on March 19, 2024).

Genomenon, Inc
Classification: Pathogenic for Glycogen storage disease, type II. Last evaluated: 2026-07-01. Review status: criteria provided, single submitter. Criteria: Genomenon Sequence Variant Interpretation Standards - Updated. Collection method: curation. Allele origin: germline. Affected: yes. Not counted in ClinVar's aggregate classification.
Comment: GAA p.Pro522Ala (c.1564C>G) is a missense variant that changes the amino acid at codon 522 from Proline to Alanine. This variant has been observed in at least one proband with a GAA-related disorder in the compound heterozygous and/or homozygous state (PMID:34072668;33301762;32248831;30832705;29422078;25712382;26800218;27193587). At least one functional study has demonstrated a substantial alteration in protein function relative to the wild-type (PMID:18429042). It is absent or not present at a significant frequency in gnomAD. In silico models predict that this variant is possibly or probably damaging. In conclusion, we classify GAA p.Pro522Ala (c.1564C>G) as a pathogenic variant.

Natera, Inc.
Classification: Pathogenic for Glycogen storage disease type II. Last evaluated: 2025-11-24. Review status: criteria provided, single submitter. Criteria: Natera Variant Classification Schema (03/2026). Collection method: clinical testing. Allele origin: germline. Not counted in ClinVar's aggregate classification.
Comment: The c.1564C>G variant in GAA is a missense variant predicted to cause substitution of proline to alanine at amino acid 522. This variant is rare in the general population with a frequency below the threshold expected for the associated phenotype(s). This variant has been observed in one or more individuals affected with the associated recessive disease, as either homozygous or compound heterozygous with a second variant (PMID: 18429042). Functional studies show that this variant may disrupt protein function (PMID: 18429042). Computational prediction algorithms indicate this variant is likely to affect gene or protein function. Given the available evidence, this variant is classified as Pathogenic.

Labcorp Genetics (formerly Invitae), Labcorp
Classification: Pathogenic for Glycogen storage disease, type II. Last evaluated: 2025-10-08. Review status: criteria provided, single submitter. Criteria: Invitae Variant Classification Sherloc (09022015). Collection method: clinical testing. Allele origin: germline. Not counted in ClinVar's aggregate classification.
Comment: This sequence change replaces proline, which is neutral and non-polar, with alanine, which is neutral and non-polar, at codon 522 of the GAA protein (p.Pro522Ala). This variant is not present in population databases (gnomAD no frequency). This missense change has been observed in individual(s) with Pompe disease (PMID: 17643989, 18429042, 26800218, 29422078). ClinVar contains an entry for this variant (Variation ID: 371277). Invitae Evidence Modeling of protein sequence and biophysical properties (such as structural, functional, and spatial information, amino acid conservation, physicochemical variation, residue mobility, and thermodynamic stability) indicates that this missense variant is expected to disrupt GAA protein function with a positive predictive value of 95%. Experimental studies have shown that this missense change affects GAA function (PMID: 18429042). For these reasons, this variant has been classified as Pathogenic.

GeneDx
Classification: Pathogenic. Last evaluated: 2025-04-30. Review status: criteria provided, single submitter. Criteria: GeneDx Variant Classification Process June 2021. Collection method: clinical testing. Allele origin: germline. Affected: yes. Not counted in ClinVar's aggregate classification.
Comment: Observed in homozygous state or with a second GAA variant in patients with infantile and later-onset GAA-related glycogen storage disease 2 in the literature and not observed in homozygous state in controls (PMID: 29422078, 17643989, 26800218); Published functional studies demonstrate a damaging effect (PMID: 18429042); Not observed at significant frequency in large population cohorts (gnomAD); In silico analysis supports that this missense variant has a deleterious effect on protein structure/function; This variant is associated with the following publications: (PMID: 19343043, 22253258, 17643989, 29880332, 25783438, 29422078, 31254424, 26800218, 33301762, 31342611, 34072668, 25712382, 18429042)

Fulgent Genetics
Classification: Pathogenic for Glycogen storage disease, type II. Last evaluated: 2024-04-18. Review status: criteria provided, single submitter. Criteria: ACMG Guidelines, 2015. Collection method: clinical testing. Allele origin: germline. Not counted in ClinVar's aggregate classification.

Baylor Genetics
Classification: Pathogenic for Glycogen storage disease, type II. Last evaluated: 2022-10-31. Review status: criteria provided, single submitter. Criteria: ACMG Guidelines, 2015. Collection method: clinical testing. Allele origin: unknown. Not counted in ClinVar's aggregate classification.

CeGaT Center for Human Genetics Tuebingen
Classification: Pathogenic. Last evaluated: 2021-10-01. Review status: criteria provided, single submitter. Criteria: CeGaT Center For Human Genetics Tuebingen Variant Classification Criteria Version 2. Collection method: clinical testing. Allele origin: germline. Affected: yes. Observed: 2 variant alleles. Not counted in ClinVar's aggregate classification.

Revvity Omics, Revvity
Classification: Likely pathogenic. Last evaluated: 2019-09-19. Review status: criteria provided, single submitter. Criteria: ACMG Guidelines, 2015. Collection method: clinical testing. Allele origin: germline. Not counted in ClinVar's aggregate classification.

Eurofins Ntd Llc (ga)
Classification: Pathogenic. Last evaluated: 2018-06-05. Review status: criteria provided, single submitter. Criteria: EGL ClinVar v180209 classification definitions. Collection method: clinical testing. Allele origin: germline. Observed: 1 variant allele, 1 heterozygote. Not counted in ClinVar's aggregate classification.

Blueprint Genetics
Classification: Likely pathogenic for GAA-related disorders. Last evaluated: 2017-07-25. Review status: criteria provided, single submitter. Criteria: ACMG Guidelines, 2015. Collection method: clinical testing. Allele origin: germline. Affected: yes. Observed: 1 variant allele. Not counted in ClinVar's aggregate classification.

Counsyl
Classification: Likely pathogenic for Glycogen storage disease, type II. Last evaluated: 2016-08-12. Review status: no assertion criteria provided. Collection method: clinical testing. Allele origin: unknown. Not counted in ClinVar's aggregate classification.

Literature cited by the submitters: PubMed 34072668 (cited by Genomenon, Inc); PubMed 33301762 (cited by Genomenon, Inc); PubMed 32248831 (cited by Genomenon, Inc); PubMed 30832705 (cited by Genomenon, Inc); PubMed 29422078 (cited by Genomenon, Inc and Labcorp Genetics (formerly Invitae), Labcorp); PubMed 25712382 (cited by Genomenon, Inc and Counsyl); PubMed 26800218 (cited by Genomenon, Inc and Labcorp Genetics (formerly Invitae), Labcorp); PubMed 27193587 (cited by Genomenon, Inc); PubMed 18429042 (cited by 4 submitters); PubMed 17643989 (cited by Labcorp Genetics (formerly Invitae), Labcorp and Counsyl); PubMed 25783438 (cited by Counsyl).

NM_000152.5(GAA):c.1564C>G (p.Pro522Ala)

Gene: GAA (alpha glucosidase; plus strand). Cytogenetic location: 17q25.3.
Variant type: single nucleotide variant.
Coding change: c.1564C>G on transcript NM_000152.5 (MANE Select); coding-DNA position 1564, C replaced by G.
Protein change: p.Pro522Ala; replaces proline 522 with alanine.
Molecular consequence: missense variant.
Genome position (GRCh38, 1-based): chr17:80,110,953, C>G. VCF-style: chr17-80110953-C-G. GRCh37 (hg19) VCF-style: chr17-78084752-C-G.
Other names: NM_000152.5(GAA):c.1564C>G; p.Pro522Ala; c.1564C>G, p.Pro522Ala (NM_001079803.3, NM_001079804.3); c.1564C>G (NM_000152.4, LRG_673t1); short protein forms P522A.
Identifiers: ClinVar variation 371277 (VCV000371277.63), dbSNP rs892129065, ClinGen allele CA16041893.